The following is an entry in ClinVar:

ClinVar aggregate classification (germline): Likely benign. Review status: criteria provided, multiple submitters, no conflicts (2 of 4 stars). 7 submissions from 7 submitters: Likely benign (5). 2 of the submissions do not count toward it. Last evaluated 2026-01-29.

Conditions:
NEFL-related disorder. Also called: NEFL-related condition.
Charcot-Marie-Tooth disease. Also called: Charcot-Marie-Tooth Neuropathy; Charcot-Marie-Tooth Hereditary Neuropathy. Identifiers: Orphanet 166, MedGen C0007959, MONDO:0015626.
Charcot-Marie-Tooth disease type 2E (CMT2E). Also called: CHARCOT-MARIE-TOOTH DISEASE, AXONAL, TYPE 2E; CHARCOT-MARIE-TOOTH NEUROPATHY, TYPE 2E. Identifiers: Orphanet 99939, MedGen C1843225, MONDO:0011894, OMIM 607684.

Allele frequency attached by ClinVar (database versions not stated): gnomAD 0.00012; TOPMed 0.00013; 1000 Genomes Project 0.00020; 1000 Genomes Project 30x 0.00031; gnomAD exomes 0.00004 and 0.00007; ExAC 0.00007; ESP Exome Variant Server 0.00008.

Submissions (7):

PreventionGenetics, part of Exact Sciences
Classification: Likely benign for NEFL-related condition. Last evaluated: 2026-01-29. Review status: criteria provided, single submitter. Criteria: ACMG Guidelines, 2015. Collection method: clinical testing. Allele origin: germline.
Comment: This variant is classified as likely benign based on ACMG/AMP sequence variant interpretation guidelines (Richards et al. 2015 PMID: 25741868, with internal and published modifications).

Labcorp Genetics (formerly Invitae), Labcorp
Classification: Likely benign for Charcot-Marie-Tooth disease type 2E. Last evaluated: 2025-09-19. Review status: criteria provided, single submitter. Criteria: Invitae Variant Classification Sherloc (09022015). Collection method: clinical testing. Allele origin: germline.

Blueprint Genetics
Classification: Likely benign. Last evaluated: 2024-09-26. Review status: criteria provided, single submitter. Criteria: ACMG Guidelines, 2015. Collection method: clinical testing. Allele origin: germline.

GeneDx
Classification: Likely benign. Last evaluated: 2021-04-09. Review status: criteria provided, single submitter. Criteria: GeneDx Variant Classification Process June 2021. Collection method: clinical testing. Allele origin: germline. Affected: yes.
Comment: This variant is associated with the following publications: (PMID: 12566280)

Molecular Genetics Laboratory, London Health Sciences Centre
Classification: Likely benign for Charcot-Marie-Tooth disease. Review status: criteria provided, single submitter. Criteria: ACMG Guidelines, 2015. Collection method: clinical testing. Allele origin: germline. Affected: yes.

Epithelial Biology;  Institute of Medical Biology, Singapore
No classification provided. Review status: no classification provided. Collection method: not provided. Allele origin: not provided. Not counted in ClinVar's aggregate classification.

Inherited Neuropathy Consortium
Classification: Benign. Review status: no assertion criteria provided. Collection method: literature only. Allele origin: germline. Affected: yes. Not counted in ClinVar's aggregate classification.

Literature cited by the submitters: PubMed 12566280 (cited by Inherited Neuropathy Consortium).

NM_006158.5(NEFL):c.423G>A (p.Gln141=)

Gene: NEFL (neurofilament light chain; minus strand). Cytogenetic location: 8p21.2.
Variant type: single nucleotide variant.
Coding change: c.423G>A on transcript NM_006158.5 (MANE Select); coding-DNA position 423, G replaced by A.
Protein change: p.Gln141=; no amino-acid change (glutamine 141 retained).
Molecular consequence: synonymous variant.
Genome position (GRCh38, 1-based): chr8:24,956,093, C>T on the plus strand (G>A on the coding strand, the complement: NEFL is on the minus strand). VCF-style: chr8-24956093-C-T. GRCh37 (hg19) VCF-style: chr8-24813607-C-T.
Identifiers: ClinVar variation 66692 (VCV000066692.15), dbSNP rs59161567, ClinGen allele CA217552.